The following is an entry in ClinVar:

NM_000503.6(EYA1):c.966+5G>A

Gene: EYA1 (EYA transcriptional coactivator and phosphatase 1; minus strand). Cytogenetic location: 8q13.3.
Variant type: single nucleotide variant.
Coding change: c.966+5G>A on transcript NM_000503.6 (MANE Select); 5 bases into the intron after coding-DNA position 966, G replaced by A.
Molecular consequence: intron variant.
Genome position (GRCh38, 1-based): chr8:71,271,753, C>T on the plus strand (G>A on the coding strand, the complement: EYA1 is on the minus strand). VCF-style: chr8-71271753-C-T. GRCh37 (hg19) VCF-style: chr8-72183988-C-T.
Other names: IVS8DS, G-A, +5; c.1035+5G>A (NM_001370336.1); c.1053+5G>A (NM_001370333.1); c.966+5G>A (NM_001370335.1, NM_001370334.1, NM_172058.4); c.1038+5G>A (NM_172059.5); c.600+5G>A (NM_001288575.2); c.948+5G>A (NM_001288574.2).
Identifiers: ClinVar variation 7945 (VCV000007945.13), dbSNP rs606231357, ClinGen allele CA254282.

ClinVar aggregate classification (germline): Pathogenic. Review status: criteria provided, multiple submitters, no conflicts (2 of 4 stars). 7 submissions from 7 submitters: Pathogenic (6). 1 of the submissions does not count toward it. Last evaluated 2025-09-13.

Conditions:
EYA1-related disorders.
Melnick-Fraser syndrome (BOR). Also called: Branchiootorenal syndrome; Branchiootorenal Syndrome (BORS); Branchio-oto-renal syndrome. Identifiers: Orphanet 107, MedGen C0265234, MONDO:0007029.
Branchiootorenal syndrome 1. Also called: Branchio-Oto-Renal Syndrome 1. Identifiers: Orphanet 107, MedGen C4551702, MONDO:0007236, OMIM 113650.

Allele frequency attached by ClinVar (database versions not stated): gnomAD exomes below 0.00001; TOPMed 0.00001.
gnomAD v4.1: 4 of 1,614,190 alleles (0.00025%); highest among the groups gnomAD compares: Non-Finnish European, 0.00034%; no homozygotes.

Submissions (7):

Labcorp Genetics (formerly Invitae), Labcorp
Classification: Pathogenic for Melnick-Fraser syndrome. Last evaluated: 2025-09-13. Review status: criteria provided, single submitter. Criteria: Invitae Variant Classification Sherloc (09022015). Collection method: clinical testing. Allele origin: germline.
Comment: This sequence change falls in intron 10 of the EYA1 gene. It does not directly change the encoded amino acid sequence of the EYA1 protein. RNA analysis indicates that this variant induces altered splicing and may result in an absent or altered protein product. This variant is not present in population databases (gnomAD no frequency). This variant has been observed in individuals with branchio-oto-renal spectrum disorders (PMID: 19206155, 21280147). This variant is also known as c.867+5G>A. ClinVar contains an entry for this variant (Variation ID: 7945). Variants that disrupt the consensus splice site are a relatively common cause of aberrant splicing (PMID: 17576681, 9536098). Studies have shown that this variant results in skipping of exon 8, and produces a non-functional protein and/or introduces a premature termination codon (PMID: 19206155). For these reasons, this variant has been classified as Pathogenic.

Variantyx, Inc.
Classification: Pathogenic for Branchiootorenal syndrome 1. Last evaluated: 2025-07-02. Review status: criteria provided, single submitter. Criteria: Variantyx Assertion Criteria 2022. Collection method: clinical testing. Allele origin: germline. Inheritance: Autosomal recessive inheritance. Affected: no.
Comment: This is an intronic variant in the EYA1 gene (OMIM: 601653). Pathogenic variants in this gene have been associated with autosomal dominant branchiootorenal spectrum disorder (BORSD). This variant likely occurred de novo in affected individuals reported in the published literature; however, the possibility of parental germline mosaicism cannot be excluded (PMID: 27657687 ) (PS2_Moderate). This variant has been also reported in at least 3 unrelated affected individuals with unknown inheritance (PMID: 19206155, 21280147, 23840632 ) (PS4_Moderate) and has a 0.0004% maximum allele frequency in non-founder control populations (PM2). This splicing variant is expected to result in loss of function, which is a known disease mechanism for EYA1 in this disorder (PMID: 30086703, 16813606, 29552445, 19206155) (PVS1). Based on the current evidence, this variant is classified as pathogenic for autosomal dominant branchiootorenal spectrum disorder (BORSD).

Center for Statistical Genetics, Columbia University
Classification: Pathogenic for Branchiootorenal syndrome 1. Last evaluated: 2024-11-08. Review status: criteria provided, single submitter. Criteria: ACMG Guidelines, 2015. Collection method: research. Allele origin: germline. Inheritance: Autosomal dominant inheritance. Affected: yes. Observed: 2 heterozygotes.

Blueprint Genetics
Classification: Pathogenic for EYA1-related disorders. Last evaluated: 2024-06-18. Review status: criteria provided, single submitter. Criteria: ACMG Guidelines, 2015. Collection method: clinical testing. Allele origin: germline. Affected: yes. Observed: 2 variant alleles.

GeneDx
Classification: Pathogenic. Last evaluated: 2024-03-05. Review status: criteria provided, single submitter. Criteria: GeneDx Variant Classification Process June 2021. Collection method: clinical testing. Allele origin: germline. Affected: yes.
Comment: Reported in individuals with EYA1-related disorders in the published literature (PMID: 21280147, 19206155, 23840632); Published functional studies demonstrate this this variant results in a truncated transcript (PMID: 23840632, 19206155); Not observed at significant frequency in large population cohorts (gnomAD); Also known as c.867+5 G>A and c.699+5G>A; This variant is associated with the following publications: (PMID: 23840632, 19206155, 29257230, 27657687, 21280147)

Lupski Lab, Baylor-Hopkins CMG, Baylor College of Medicine
Classification: Pathogenic for Branchiootorenal syndrome 1. Review status: criteria provided, single submitter. Criteria: Bekheirnia et al. (Genet Med. 2016). Collection method: research. Allele origin: de novo. Inheritance: Autosomal dominant inheritance. Affected: yes. Observed: 1 heterozygote.

OMIM
Classification: Pathogenic for BRANCHIOOTORENAL SYNDROME 1. Last evaluated: 2009-03-01. Review status: no assertion criteria provided. Collection method: literature only. Allele origin: germline. Not counted in ClinVar's aggregate classification.

Literature cited by the submitters: PubMed 19206155 (cited by 3 submitters); PubMed 21280147 (cited by Labcorp Genetics (formerly Invitae), Labcorp and Variantyx, Inc.); PubMed 17576681 (cited by Labcorp Genetics (formerly Invitae), Labcorp); PubMed 9536098 (cited by Labcorp Genetics (formerly Invitae), Labcorp); PubMed 30086703 (cited by Variantyx, Inc.); PubMed 16813606 (cited by Variantyx, Inc.); PubMed 29552445 (cited by Variantyx, Inc.); PubMed 23840632 (cited by Variantyx, Inc.); PubMed 27657687 (cited by Variantyx, Inc.).